The following is an entry in ClinVar:

NM_025099.6(CTC1):c.1617+5G>T

Gene: CTC1 (CST telomere replication complex component 1; minus strand). Cytogenetic location: 17p13.1.
Variant type: single nucleotide variant.
Coding change: c.1617+5G>T on transcript NM_025099.6 (MANE Select); 5 bases into the intron after coding-DNA position 1617, G replaced by T.
Molecular consequence: intron variant.
Genome position (GRCh38, 1-based): chr17:8,234,744, C>A on the plus strand (G>T on the coding strand, the complement: CTC1 is on the minus strand). VCF-style: chr17-8234744-C-A. GRCh37 (hg19) VCF-style: chr17-8138062-C-A.
Identifiers: ClinVar variation 2037908 (VCV002037908.5), dbSNP rs766214390, ClinGen allele CA2580094920.
Genomic context (GRCh38, chr17:8,234,744, plus strand): 5'-TGTGTCCCATGGGCCCCAGGTGTCCTCCAGTGTTCTGCCACCATCCTTCCCCCACATCCT[C>A]ATACTTTCTGGAGGGGACAGTGATGTGGCTCTTCAAGGATCTCATTGTGTGCATTCCGAA-3'

ClinVar aggregate classification (germline): Pathogenic/Likely pathogenic. Review status: criteria provided, multiple submitters, no conflicts (2 of 4 stars). 2 submissions from 2 submitters: Pathogenic (1); Likely pathogenic (1). Last evaluated 2025-04-06.

Conditions:
Dyskeratosis congenita. Identifiers: Orphanet 1775, MedGen C0265965, MONDO:0015780.
Cerebroretinal microangiopathy with calcifications and cysts 1 (CRMCC1). Identifiers: Orphanet 313838, MedGen C4552029, MONDO:0024564, OMIM 612199.

Submissions (2):

3billion
Classification: Likely pathogenic for Cerebroretinal microangiopathy with calcifications and cysts 1. Last evaluated: 2025-04-06. Review status: criteria provided, single submitter. Criteria: ACMG Guidelines, 2015. Collection method: clinical testing. Allele origin: germline. Affected: yes.

Labcorp Genetics (formerly Invitae), Labcorp
Classification: Pathogenic for Dyskeratosis congenita. Last evaluated: 2024-03-16. Review status: criteria provided, single submitter. Criteria: Invitae Variant Classification Sherloc (09022015). Collection method: clinical testing. Allele origin: germline.
Comment: This sequence change falls in intron 9 of the CTC1 gene. It does not directly change the encoded amino acid sequence of the CTC1 protein. RNA analysis indicates that this variant induces altered splicing and may result in an absent or disrupted protein product. This variant is not present in population databases (gnomAD no frequency). This variant has been observed in individual(s) with clinical features of Coats plus syndrome (PMID: 34706368). In at least one individual the data is consistent with being in trans (on the opposite chromosome) from a pathogenic variant. ClinVar contains an entry for this variant (Variation ID: 2037908). Variants that disrupt the consensus splice site are a relatively common cause of aberrant splicing (PMID: 17576681, 9536098). Studies have shown that this variant results in skipping of exon 9 and introduces a premature termination codon (PMID: 34706368). The resulting mRNA is expected to undergo nonsense-mediated decay. For these reasons, this variant has been classified as Pathogenic.

Literature cited by the submitters: PubMed 34706368 (cited by 3billion and Labcorp Genetics (formerly Invitae), Labcorp); PubMed 17576681 (cited by Labcorp Genetics (formerly Invitae), Labcorp); PubMed 9536098 (cited by Labcorp Genetics (formerly Invitae), Labcorp).